The following is an entry in ClinVar:

NM_004484.4(GPC3):c.602C>G (p.Ala201Gly)

Gene: GPC3 (glypican 3; minus strand). Cytogenetic location: Xq26.2.
Variant type: single nucleotide variant.
Coding change: c.602C>G on transcript NM_004484.4 (MANE Select); coding-DNA position 602, C replaced by G.
Protein change: p.Ala201Gly; replaces alanine 201 with glycine.
Molecular consequence: missense variant.
Genome position (GRCh38, 1-based): chrX:133,753,912, G>C on the plus strand (C>G on the coding strand, the complement: GPC3 is on the minus strand). VCF-style: chrX-133753912-G-C. GRCh37 (hg19) VCF-style: chrX-132887939-G-C.
Other names: c.602C>G, p.Ala201Gly (NM_001164617.2); c.554C>G, p.Ala185Gly (NM_001164618.2); c.440C>G, p.Ala147Gly (NM_001164619.2); short protein forms A147G, A201G, A185G.
Identifiers: ClinVar variation 1367881 (VCV001367881.6), dbSNP rs201344338, ClinGen allele CA335981514.

ClinVar aggregate classification (germline): Uncertain significance (1 of 4 stars; one submission).

Conditions:
Wilms tumor 1 (WT1). Also called: Wilms tumor, somatic. Identifiers: Orphanet 654, MedGen CN033288, MONDO:0008679, OMIM 194070.

Allele frequency attached by ClinVar (database versions not stated): gnomAD 0.00001; gnomAD exomes 0.00001; 1000 Genomes Project 30x 0.00021.
gnomAD v4.1: 1 of 1,209,897 alleles (0.000083%); highest among the groups gnomAD compares: Non-Finnish European, 0.00011%; no homozygotes.

Submission:

Labcorp Genetics (formerly Invitae), Labcorp
Classification: Uncertain significance for Wilms tumor 1. Last evaluated: 2021-08-29. Review status: criteria provided, single submitter. Criteria: Invitae Variant Classification Sherloc (09022015). Collection method: clinical testing. Allele origin: germline.
Comment: This sequence change replaces alanine with glycine at codon 201 of the GPC3 protein (p.Ala201Gly). The alanine residue is highly conserved and there is a small physicochemical difference between alanine and glycine. In summary, the available evidence is currently insufficient to determine the role of this variant in disease. Therefore, it has been classified as a Variant of Uncertain Significance. Algorithms developed to predict the effect of missense changes on protein structure and function are either unavailable or do not agree on the potential impact of this missense change (SIFT: "Tolerated"; PolyPhen-2: "Probably Damaging"; Align-GVGD: "Class C0"). This variant has not been reported in the literature in individuals affected with GPC3-related conditions. This variant is not present in population databases (ExAC no frequency).